The following is an entry in ClinVar:

NM_000545.8(HNF1A):c.685C>G (p.Arg229Gly)

Gene: HNF1A (HNF1 homeobox A; plus strand). Cytogenetic location: 12q24.31.
Variant type: single nucleotide variant.
Coding change: c.685C>G on transcript NM_000545.8 (MANE Select); coding-DNA position 685, C replaced by G.
Protein change: p.Arg229Gly; replaces arginine 229 with glycine.
Molecular consequence: missense variant.
Genome position (GRCh38, 1-based): chr12:120,993,678, C>G. VCF-style: chr12-120993678-C-G. GRCh37 (hg19) VCF-style: chr12-121431481-C-G.
Other names: NM_001306179.1:c.685C>G; NM_000545.8(HNF1A):c.685C>G; p.Arg229Gly; c.685C>G, p.Arg229Gly (NM_001306179.2); short protein forms R229G.
Identifiers: ClinVar variation 1334142 (VCV001334142.6), dbSNP rs769086289, ClinGen allele CA386965163.
Genomic context (GRCh38, chr12:120,993,678, plus strand): 5'-GCATCCCAGCAGATCCTGTTCCAGGCCTATGAGAGGCAGAAGAACCCTAGCAAGGAGGAG[C>G]GAGAGACGCTAGTGGAGGAGTGCAATAGGTACAACGGCGGGCGGGAAACAGTGCTGGTTT-3'
Protein context (NP_000536.6, residues 219-239): ERQKNPSKEE[Arg229Gly]ETLVEECNRA

ClinVar aggregate classification (germline): Likely pathogenic. Review status: reviewed by expert panel (3 of 4 stars). 2 submissions from 2 submitters: Likely pathogenic (1). 1 of the submissions does not count toward it. Last evaluated 2025-06-09.

Conditions:
Monogenic diabetes. Identifiers: Orphanet 183625, MedGen C3888631, MONDO:0015967.

Submissions (2):

ClinGen Monogenic Diabetes Variant Curation Expert Panel
Classification: Likely pathogenic for Monogenic diabetes. Last evaluated: 2025-06-09. Review status: reviewed by expert panel. Criteria: ClinGen Diabetes ACMG Specifications HNF1A V2.1.0. Collection method: curation. Allele origin: germline. Inheritance: Autosomal dominant inheritance.
Comment: The c.685C>G variant in the HNF1 homeobox A gene, HNF1A, causes an amino acid change of arginine to glycine at codon 229 (p.(Arg229Gly)) of NM_000545.6. This variant was identified in three unrelated individuals with non-autoimmune and non-absolute/near-absolute insulin-deficient diabetes; however, PS4_Moderate cannot be applied because this number is below the ClinGen MDEP threshold (internal lab contributors). Two of these individuals had a clinical history specific for HNF1A-monogenic diabetes(MODY probability calculator result >50% and negative genetic testing for HNF4A), one of whom also responded to low dose sulfonylurea treatment (PP4_Moderate; internal laboratory contributor). This variant is located within the DNA binding domain (codons 107-174 and 201-280) of HNF1A, which is defined as critical for the protein’s function by the ClinGen MDEP (PM1_Supporting). Two other missense variants, c.686G>A (p.Arg229Gln) and c.686G>C (p.Arg229Pro), have been classified as pathogenic by the ClinGen MDEP, and p.Arg229Gly has a greater Grantham distance than p.Arg229Gln and p.Arg229Pro (PM5_Strong). Additionally, this variant is absent from gnomAD v2.1.1 and v4.1.0 (PM2_Supporting). Finally, this variant is predicted to be deleterious by computational evidence, with a REVEL score of 0.903, which is greater than or equal to the MDEP VCEP threshold of 0.70 (PP3). In summary, c.685C>G meets the criteria to be classified as likely pathogenic for monogenic diabetes. ACMG/AMP criteria applied, as specified by the ClinGen MDEP (specification version 2.1.0, approved 8/11/2023): (PP4_Moderate, PM1_Supporting, PM5_Strong, PM2_Supporting, PP3).

Labcorp Genetics (formerly Invitae), Labcorp
Classification: Uncertain significance. Last evaluated: 2024-05-13. Review status: criteria provided, single submitter. Criteria: Invitae Variant Classification Sherloc (09022015). Collection method: clinical testing. Allele origin: germline. Not counted in ClinVar's aggregate classification.
Comment: This sequence change replaces arginine, which is basic and polar, with glycine, which is neutral and non-polar, at codon 229 of the HNF1A protein (p.Arg229Gly). This variant is not present in population databases (gnomAD no frequency). This missense change has been observed in individual(s) with clinical features of maturity-onset diabetes of the young (PMID: 23348805). ClinVar contains an entry for this variant (Variation ID: 1334142). Advanced modeling of protein sequence and biophysical properties (such as structural, functional, and spatial information, amino acid conservation, physicochemical variation, residue mobility, and thermodynamic stability) has been performed at Invitae for this missense variant, however the output from this modeling did not meet the statistical confidence thresholds required to predict the impact of this variant on HNF1A protein function. This variant disrupts the p.Arg229 amino acid residue in HNF1A. Other variant(s) that disrupt this residue have been determined to be pathogenic (PMID: 9032114, 25414397, 31754975; Invitae). This suggests that this residue is clinically significant, and that variants that disrupt this residue are likely to be disease-causing. In summary, the available evidence is currently insufficient to determine the role of this variant in disease. Therefore, it has been classified as a Variant of Uncertain Significance.

Literature cited by the submitters: PubMed 23348805 (cited by Labcorp Genetics (formerly Invitae), Labcorp); PubMed 9032114 (cited by Labcorp Genetics (formerly Invitae), Labcorp); PubMed 25414397 (cited by Labcorp Genetics (formerly Invitae), Labcorp); PubMed 31754975 (cited by Labcorp Genetics (formerly Invitae), Labcorp).